The following is an entry in ClinVar:

ClinVar aggregate classification (germline): Uncertain significance (1 of 4 stars; one submission).

Submission:

GeneDx
Classification: Uncertain significance. Last evaluated: 2025-02-13. Review status: criteria provided, single submitter. Criteria: GeneDx Variant Classification Process June 2021. Collection method: clinical testing. Allele origin: germline. Affected: yes.
Comment: Not observed at significant frequency in large population cohorts (gnomAD); In silico analysis indicates that this missense variant does not alter protein structure/function; Has not been previously published as pathogenic or benign to our knowledge

NM_006421.5(ARFGEF1):c.1126C>G (p.Pro376Ala)

Gene: ARFGEF1 (ARF guanine nucleotide exchange factor 1; minus strand). Cytogenetic location: 8q13.2.
Variant type: single nucleotide variant.
Coding change: c.1126C>G on transcript NM_006421.5 (MANE Select); coding-DNA position 1126, C replaced by G.
Protein change: p.Pro376Ala; replaces proline 376 with alanine.
Molecular consequence: missense variant. On other transcripts: non-coding transcript variant (1), intron variant (1).
Genome position (GRCh38, 1-based): chr8:67,277,359, G>C on the plus strand (C>G on the coding strand, the complement: ARFGEF1 is on the minus strand). VCF-style: chr8-67277359-G-C. GRCh37 (hg19) VCF-style: chr8-68189594-G-C.
Other names: c.1126C>G, p.Pro376Ala (NM_001413184.1, NM_001413185.1, NM_001413186.1 and 7 more transcripts); c.526C>G, p.Pro176Ala (NM_001413188.1, NM_001413193.1, NM_001413197.1); c.-88-5423C>G (NM_001413196.1); short protein forms P176A, P376A.
Identifiers: ClinVar variation 4075686 (VCV004075686.1).
Genomic context (GRCh38, chr8:67,277,359, plus strand): 5'-AGACTGACAATCTATCATCAGGTAAGGATGGTGTATATGCAACAGAAATTGGTGTTCCTG[G>C]AATTCCATTTGCTTGAATATTTTCACTGTCACTACCATCCTCTATAGTTCCAATGTTGCC-3'
Protein context (NP_006412.2, residues 366-386): DSENIQANGI[Pro376Ala]GTPISVAYTP